The following is an entry in ClinVar:

ClinVar aggregate classification (germline): Likely benign. Review status: criteria provided, multiple submitters, no conflicts (2 of 4 stars). 4 submissions from 4 submitters: Likely benign (4). Last evaluated 2025-07-30.

Conditions:
TTN-related disorder. Also called: TTN-related condition; TTN-related disease; TTN-related disorders.
Autosomal recessive limb-girdle muscular dystrophy type 2J (LGMDR10). Also called: Limb-girdle muscular dystrophy, type 2J; MUSCULAR DYSTROPHY, LIMB-GIRDLE, AUTOSOMAL RECESSIVE 10. Identifiers: Orphanet 140922, MedGen C1837342, MONDO:0012127, OMIM 608807.
Dilated cardiomyopathy 1G (CMD1G). Identifiers: Orphanet 154, MedGen C1858763, MONDO:0011400, OMIM 604145.

Allele frequency attached by ClinVar (database versions not stated): gnomAD exomes 0.00001 and 0.00002; ExAC 0.00003; TOPMed 0.00008; gnomAD 0.00009 and 0.00011; ESP Exome Variant Server 0.00017.
gnomAD v4.1: 22 of 1,607,968 alleles (0.0014%); highest among the groups gnomAD compares: African/African-American, 0.028%; no homozygotes.

Submissions (4):

Labcorp Genetics (formerly Invitae), Labcorp
Classification: Likely benign for Dilated cardiomyopathy 1G; Autosomal recessive limb-girdle muscular dystrophy type 2J. Last evaluated: 2025-07-30. Review status: criteria provided, single submitter. Criteria: Invitae Variant Classification Sherloc (09022015). Collection method: clinical testing. Allele origin: germline.

PreventionGenetics, part of Exact Sciences
Classification: Likely benign for TTN-related condition. Last evaluated: 2025-07-24. Review status: criteria provided, single submitter. Criteria: ACMG Guidelines, 2015. Collection method: clinical testing. Allele origin: germline.
Comment: This variant is classified as likely benign based on ACMG/AMP sequence variant interpretation guidelines (Richards et al. 2015 PMID: 25741868, with internal and published modifications).

GeneDx
Classification: Likely benign. Last evaluated: 2019-04-08. Review status: criteria provided, single submitter. Criteria: GeneDx Variant Classification Process June 2021. Collection method: clinical testing. Allele origin: germline. Affected: yes.

Laboratory for Molecular Medicine, Mass General Brigham Personalized Medicine
Classification: Likely benign. Last evaluated: 2012-03-19. Review status: criteria provided, single submitter. Criteria: LMM Criteria. Collection method: clinical testing. Allele origin: germline. Observed: 1 variant allele.
Comment: Arg8061Arg in exon 94 of TTN: This variant is not expected to have clinical sign ificance because it does not alter an amino acid residue and is not located with in the splice consensus sequence. It has been identified in 0.1% (2/2984) of Afr ican American chromosomes from a broad population by the NHLBI Exome Sequencing Project. Arg8061Arg in exon 94 of TTN (allel e frequency = 0.1%, 2/2984) **

NM_001267550.2(TTN):c.27915A>G (p.Arg9305=)

Gene: TTN (titin; minus strand). Cytogenetic location: 2q31.2.
Variant type: single nucleotide variant.
Coding change: c.27915A>G on transcript NM_001267550.2 (MANE Select); coding-DNA position 27915, A replaced by G.
Protein change: p.Arg9305=; no amino-acid change (arginine 9305 retained).
Molecular consequence: synonymous variant. On other transcripts: intron variant (3).
Genome position (GRCh38, 1-based): chr2:178,711,321, T>C on the plus strand (A>G on the coding strand, the complement: TTN is on the minus strand). VCF-style: chr2-178711321-T-C. GRCh37 (hg19) VCF-style: chr2-179576048-T-C.
Other names: c.13282+26761A>G (NM_003319.4); c.13858+26761A>G (NM_133437.4); c.13657+26761A>G (NM_133432.3); c.26964A>G, p.Arg8988= (NM_001256850.1); c.24183A>G, p.Arg8061= (NM_133378.4).
Identifiers: ClinVar variation 46804 (VCV000046804.16), dbSNP rs367900368, ClinGen allele CA139244.